The following is an entry in ClinVar:

ClinVar aggregate classification (germline): Conflicting classifications of pathogenicity. Review status: criteria provided, conflicting classifications (1 of 4 stars). 4 submissions from 3 submitters: Uncertain significance (1); Benign (1); Likely benign (2). Last evaluated 2026-01-04.

Conditions:
Hypoalphalipoproteinemia, primary, 1. Identifiers: Orphanet 425, MedGen C5231558, MONDO:0011393, OMIM 604091.
Cardiovascular phenotype. Identifiers: MedGen CN230736.
Tangier disease (TGD). Also called: HIGH DENSITY LIPOPROTEIN DEFICIENCY, TANGIER TYPE; HIGH DENSITY LIPOPROTEIN DEFICIENCY, TYPE 1; Cholesterol thesaurismosis. Identifiers: Orphanet 31150, MedGen C0039292, MONDO:0008783, OMIM 205400.

Allele frequency attached by ClinVar (database versions not stated): TOPMed 0.00001; 1000 Genomes Project 30x 0.00047; 1000 Genomes Project 0.00060; gnomAD exomes 0.00004; ExAC 0.00007.
gnomAD v4.1: 150 of 1,614,200 alleles (0.0093%); highest among the groups gnomAD compares: East Asian, 0.33%; no homozygotes.

Submissions (4):

Labcorp Genetics (formerly Invitae), Labcorp
Classification: Likely benign. Last evaluated: 2026-01-04. Review status: criteria provided, single submitter. Criteria: Invitae Variant Classification Sherloc (09022015). Collection method: clinical testing. Allele origin: germline.

Ambry Genetics
Classification: Likely benign for Cardiovascular phenotype. Last evaluated: 2020-09-20. Review status: criteria provided, single submitter. Criteria: Ambry Variant Classification Scheme 2023. Collection method: clinical testing. Allele origin: germline.

Illumina Laboratory Services, Illumina
Classification: Benign for Hypoalphalipoproteinemia, primary, 1. Last evaluated: 2018-01-13. Review status: criteria provided, single submitter. Criteria: ICSL Variant Classification Criteria 13 December 2019. Collection method: clinical testing. Allele origin: germline.
Comment: This variant was observed in the ICSL laboratory as part of a predisposition screen in an ostensibly healthy population. It had not been previously curated by ICSL or reported in the Human Gene Mutation Database (HGMD: prior to June 1st, 2018), and was therefore a candidate for classification through an automated scoring system. Utilizing variant allele frequency, disease prevalence and penetrance estimates, and inheritance mode, an automated score was calculated to assess if this variant is too frequent to cause the disease. Based on the score and internal cut-off values, a variant classified as benign is not then subjected to further curation. The score for this variant resulted in a classification of benign for this disease.

Illumina Laboratory Services, Illumina
Classification: Uncertain significance for Tangier disease. Last evaluated: 2018-01-13. Review status: criteria provided, single submitter. Criteria: ICSL Variant Classification Criteria 13 December 2019. Collection method: clinical testing. Allele origin: germline.

NM_005502.4(ABCA1):c.2196G>A (p.Gln732=)

Gene: ABCA1 (ATP binding cassette subfamily A member 1; minus strand). Cytogenetic location: 9q31.1.
Variant type: single nucleotide variant.
Coding change: c.2196G>A on transcript NM_005502.4 (MANE Select); coding-DNA position 2196, G replaced by A.
Protein change: p.Gln732=; no amino-acid change (glutamine 732 retained).
Molecular consequence: synonymous variant.
Genome position (GRCh38, 1-based): chr9:104,827,089, C>T on the plus strand (G>A on the coding strand, the complement: ABCA1 is on the minus strand). VCF-style: chr9-104827089-C-T. GRCh37 (hg19) VCF-style: chr9-107589370-C-T.
Identifiers: ClinVar variation 364435 (VCV000364435.11), dbSNP rs187695583, ClinGen allele CA5168787.